The following is an entry in ClinVar:

NM_001128228.3(TPRN):c.740A>G (p.Gln247Arg)

Gene: TPRN (taperin; minus strand). Cytogenetic location: 9q34.3.
Variant type: single nucleotide variant.
Coding change: c.740A>G on transcript NM_001128228.3 (MANE Select); coding-DNA position 740, A replaced by G.
Protein change: p.Gln247Arg; replaces glutamine 247 with arginine.
Molecular consequence: missense variant.
Genome position (GRCh38, 1-based): chr9:137,199,972, T>C on the plus strand (A>G on the coding strand, the complement: TPRN is on the minus strand). VCF-style: chr9-137199972-T-C. GRCh37 (hg19) VCF-style: chr9-140094424-T-C.
Other names: short protein forms Q247R.
Identifiers: ClinVar variation 1214455 (VCV001214455.11), dbSNP rs986819935, ClinGen allele CA201721291.

ClinVar aggregate classification (germline): Conflicting classifications of pathogenicity. Review status: criteria provided, conflicting classifications (1 of 4 stars). 3 submissions from 3 submitters: Uncertain significance (2); Likely benign (1). Last evaluated 2025-07-11.

Conditions:
Inborn genetic diseases. Identifiers: MedGen C0950123, MeSH D030342.

Allele frequency attached by ClinVar (database versions not stated): gnomAD exomes 0.00004 and 0.00016; gnomAD 0.00041 and 0.00036; TOPMed 0.00041.
gnomAD v4.1: 121 of 1,453,694 alleles (0.0083%); highest among the groups gnomAD compares: African/African-American, 0.13%; no homozygotes.

Submissions (3):

Labcorp Genetics (formerly Invitae), Labcorp
Classification: Uncertain significance. Last evaluated: 2025-07-11. Review status: criteria provided, single submitter. Criteria: Invitae Variant Classification Sherloc (09022015). Collection method: clinical testing. Allele origin: germline.
Comment: This sequence change replaces glutamine, which is neutral and polar, with arginine, which is basic and polar, at codon 247 of the TPRN protein (p.Gln247Arg). This variant is present in population databases (no rsID available, gnomAD 0.1%). This variant has not been reported in the literature in individuals affected with TPRN-related conditions. ClinVar contains an entry for this variant (Variation ID: 1214455). Invitae Evidence Modeling of protein sequence and biophysical properties (such as structural, functional, and spatial information, amino acid conservation, physicochemical variation, residue mobility, and thermodynamic stability) indicates that this missense variant is not expected to disrupt TPRN protein function with a negative predictive value of 80%. In summary, the available evidence is currently insufficient to determine the role of this variant in disease. Therefore, it has been classified as a Variant of Uncertain Significance.

Ambry Genetics
Classification: Uncertain significance for Inborn genetic diseases. Last evaluated: 2024-07-26. Review status: criteria provided, single submitter. Criteria: Ambry Variant Classification Scheme 2023. Collection method: clinical testing. Allele origin: germline.

GeneDx
Classification: Likely benign. Last evaluated: 2022-03-28. Review status: criteria provided, single submitter. Criteria: GeneDx Variant Classification Process June 2021. Collection method: clinical testing. Allele origin: germline. Affected: yes.